The following is an entry in ClinVar:

ClinVar aggregate classification (germline): Uncertain significance. Review status: criteria provided, multiple submitters, no conflicts (2 of 4 stars). 3 submissions from 3 submitters: Uncertain significance (3). Last evaluated 2025-11-04.

Conditions:
Inborn genetic diseases. Identifiers: MedGen C0950123, MeSH D030342.

gnomAD v4.1: 5 of 1,614,034 alleles (0.00031%); highest among the groups gnomAD compares: Admixed American, 0.0083%; no homozygotes.

Submissions (3):

Labcorp Genetics (formerly Invitae), Labcorp
Classification: Uncertain significance. Last evaluated: 2025-11-04. Review status: criteria provided, single submitter. Criteria: Invitae Variant Classification Sherloc (09022015). Collection method: clinical testing. Allele origin: germline.
Comment: This sequence change replaces glycine, which is neutral and non-polar, with arginine, which is basic and polar, at codon 49 of the C1S protein (p.Gly49Arg). This variant is present in population databases (rs782013737, gnomAD 0.01%). This variant has not been reported in the literature in individuals affected with C1S-related conditions. ClinVar contains an entry for this variant (Variation ID: 3707467). Invitae Evidence Modeling of protein sequence and biophysical properties (such as structural, functional, and spatial information, amino acid conservation, physicochemical variation, residue mobility, and thermodynamic stability) indicates that this missense variant is not expected to disrupt C1S protein function with a negative predictive value of 80%. In summary, the available evidence is currently insufficient to determine the role of this variant in disease. Therefore, it has been classified as a Variant of Uncertain Significance.

Ambry Genetics
Classification: Uncertain significance for Inborn genetic diseases. Last evaluated: 2025-08-02. Review status: criteria provided, single submitter. Criteria: Ambry Variant Classification Scheme 2023. Collection method: clinical testing. Allele origin: germline.

Women's Health and Genetics/Laboratory Corporation of America, LabCorp
Classification: Uncertain significance. Last evaluated: 2025-06-30. Review status: criteria provided, single submitter. Criteria: LabCorp Variant Classification Summary - May 2015. Collection method: clinical testing. Allele origin: germline.
Comment: Variant summary: C1S c.145G>A (p.Gly49Arg) results in a non-conservative amino acid change in the encoded protein sequence. Algorithms developed to predict the effect of missense changes on protein structure and function are either unavailable or do not agree on the potential impact of this missense change. The variant allele was found at a frequency of 1.2e-05 in 251466 control chromosomes. The available data on variant occurrences in the general population are insufficient to allow any conclusion about variant significance. To our knowledge, no occurrence of c.145G>A in individuals affected with Complement component C1s deficiency and no experimental evidence demonstrating its impact on protein function have been reported. ClinVar contains an entry for this variant (Variation ID: 3707467). Based on the evidence outlined above, the variant was classified as uncertain significance.

NM_001734.5(C1S):c.145G>A (p.Gly49Arg)

Gene: C1S (complement C1s; plus strand). Cytogenetic location: 12p13.31.
Variant type: single nucleotide variant.
Coding change: c.145G>A on transcript NM_001734.5 (MANE Select); coding-DNA position 145, G replaced by A.
Protein change: p.Gly49Arg; replaces glycine 49 with arginine.
Molecular consequence: missense variant. On other transcripts: intron variant (1).
Genome position (GRCh38, 1-based): chr12:7,062,614, G>A. VCF-style: chr12-7062614-G-A. GRCh37 (hg19) VCF-style: chr12-7169918-G-A.
Other names: c.145G>A (NM_201442.2); c.145G>A, p.Gly49Arg (NM_201442.4); c.-288-276G>A (NM_001346850.2); short protein forms G49R.
Identifiers: ClinVar variation 3707467 (VCV003707467.4).